The following is an entry in ClinVar:

NM_022436.3(ABCG5):c.336G>T (p.Glu112Asp)

Gene: ABCG5 (ATP binding cassette subfamily G member 5; minus strand). Cytogenetic location: 2p21.
Variant type: single nucleotide variant.
Coding change: c.336G>T on transcript NM_022436.3 (MANE Select); coding-DNA position 336, G replaced by T.
Protein change: p.Glu112Asp; replaces glutamic acid 112 with aspartic acid.
Molecular consequence: missense variant.
Genome position (GRCh38, 1-based): chr2:43,832,013, C>A on the plus strand (G>T on the coding strand, the complement: ABCG5 is on the minus strand). VCF-style: chr2-43832013-C-A. GRCh37 (hg19) VCF-style: chr2-44059152-C-A.
Other names: short protein forms E112D.
Identifiers: ClinVar variation 3416717 (VCV003416717.1).

ClinVar aggregate classification (germline): Uncertain significance (1 of 4 stars; one submission).

Conditions:
Cardiovascular phenotype. Identifiers: MedGen CN230736.

Submission:

Ambry Genetics
Classification: Uncertain significance for Cardiovascular phenotype. Last evaluated: 2024-11-13. Review status: criteria provided, single submitter. Criteria: Ambry Variant Classification Scheme 2023. Collection method: clinical testing. Allele origin: germline.
Comment: The p.E112D variant (also known as c.336G>T), located in coding exon 3 of the ABCG5 gene, results from a G to T substitution at nucleotide position 336. The glutamic acid at codon 112 is replaced by aspartic acid, an amino acid with highly similar properties. This amino acid position is conserved. In addition, this alteration is predicted to be tolerated by in silico analysis. Based on the available evidence, the clinical significance of this variant remains unclear.